The following is an entry in ClinVar:

NM_001849.4(COL6A2):c.58G>A (p.Ala20Thr)

Gene: COL6A2 (collagen type VI alpha 2 chain; plus strand). Cytogenetic location: 21q22.3.
Variant type: single nucleotide variant.
Coding change: c.58G>A on transcript NM_001849.4 (MANE Select); coding-DNA position 58, G replaced by A.
Protein change: p.Ala20Thr; replaces alanine 20 with threonine.
Molecular consequence: missense variant.
Genome position (GRCh38, 1-based): chr21:46,111,534, G>A. VCF-style: chr21-46111534-G-A. GRCh37 (hg19) VCF-style: chr21-47531448-G-A.
Other names: c.58G>A, p.Ala20Thr (NM_058174.3, NM_058175.3); short protein forms A20T.
Identifiers: ClinVar variation 965496 (VCV000965496.10), dbSNP rs2078398153, ClinGen allele CA410519298.

ClinVar aggregate classification (germline): Uncertain significance (1 of 4 stars; one submission).

Conditions:
Bethlem myopathy 1A. Also called: Bethlem Muscular Dystrophy; Bethlem myopathy 1; MYOPATHY, BENIGN CONGENITAL, WITH CONTRACTURES. Identifiers: Orphanet 610, MedGen CN029274, MONDO:0024530, OMIM 158810.

Allele frequency attached by ClinVar (database versions not stated): gnomAD exomes below 0.00001.
gnomAD v4.1: 2 of 1,613,004 alleles (0.00012%); highest among the groups gnomAD compares: Non-Finnish European, 0.00017%; no homozygotes.

Submission:

Labcorp Genetics (formerly Invitae), Labcorp
Classification: Uncertain significance for Bethlem myopathy 1A. Last evaluated: 2019-10-02. Review status: criteria provided, single submitter. Criteria: Invitae Variant Classification Sherloc (09022015). Collection method: clinical testing. Allele origin: germline.
Comment: This sequence change replaces alanine with threonine at codon 20 of the COL6A2 protein (p.Ala20Thr). The alanine residue is moderately conserved and there is a small physicochemical difference between alanine and threonine. This variant is not present in population databases (ExAC no frequency). This variant has not been reported in the literature in individuals with COL6A2-related conditions. Algorithms developed to predict the effect of missense changes on protein structure and function output the following: SIFT: "Deleterious"; PolyPhen-2: "Benign"; Align-GVGD: "Class C0". The threonine amino acid residue is found in multiple mammalian species, suggesting that this missense change does not adversely affect protein function. These predictions have not been confirmed by published functional studies and their clinical significance is uncertain. In summary, the available evidence is currently insufficient to determine the role of this variant in disease. Therefore, it has been classified as a Variant of Uncertain Significance.